The following is an entry in ClinVar:

NM_031935.3(HMCN1):c.11378G>A (p.Arg3793His)

Gene: HMCN1 (hemicentin 1; plus strand). Cytogenetic location: 1q31.1.
Variant type: single nucleotide variant.
Coding change: c.11378G>A on transcript NM_031935.3 (MANE Select); coding-DNA position 11378, G replaced by A.
Protein change: p.Arg3793His; replaces arginine 3793 with histidine.
Molecular consequence: missense variant.
Genome position (GRCh38, 1-based): chr1:186,114,920, G>A. VCF-style: chr1-186114920-G-A. GRCh37 (hg19) VCF-style: chr1-186084052-G-A.
Other names: short protein forms R3793H.
Identifiers: ClinVar variation 1447350 (VCV001447350.7), dbSNP rs768205453, ClinGen allele CA1294019.

ClinVar aggregate classification (germline): Uncertain significance (1 of 4 stars; one submission).

Allele frequency attached by ClinVar (database versions not stated): ExAC 0.00001; gnomAD exomes 0.00001; gnomAD 0.00002; TOPMed 0.00002.
gnomAD v4.1: 21 of 1,613,966 alleles (0.0013%); highest among the groups gnomAD compares: Middle Eastern, 0.049%; no homozygotes.

Submission:

Labcorp Genetics (formerly Invitae), Labcorp
Classification: Uncertain significance. Last evaluated: 2024-02-24. Review status: criteria provided, single submitter. Criteria: Invitae Variant Classification Sherloc (09022015). Collection method: clinical testing. Allele origin: germline.
Comment: This sequence change replaces arginine, which is basic and polar, with histidine, which is basic and polar, at codon 3793 of the HMCN1 protein (p.Arg3793His). This variant is present in population databases (rs768205453, gnomAD 0.002%). This variant has not been reported in the literature in individuals affected with HMCN1-related conditions. ClinVar contains an entry for this variant (Variation ID: 1447350). An algorithm developed to predict the effect of missense changes on protein structure and function (PolyPhen-2) suggests that this variant is likely to be tolerated. In summary, the available evidence is currently insufficient to determine the role of this variant in disease. Therefore, it has been classified as a Variant of Uncertain Significance.